The following is an entry in ClinVar:

ClinVar aggregate classification (germline): Conflicting classifications of pathogenicity. Review status: criteria provided, conflicting classifications (1 of 4 stars). 11 submissions from 11 submitters: Uncertain significance (7); Likely benign (4). Last evaluated 2026-09-21.

Conditions:
TTN-related disorder. Also called: TTN-related condition; TTN-related disease; TTN-related disorders.
Cardiovascular phenotype. Identifiers: MedGen CN230736.
Dilated cardiomyopathy 1G (CMD1G). Identifiers: Orphanet 154, MedGen C1858763, MONDO:0011400, OMIM 604145.
Autosomal recessive limb-girdle muscular dystrophy type 2J (LGMDR10). Also called: Limb-girdle muscular dystrophy, type 2J; MUSCULAR DYSTROPHY, LIMB-GIRDLE, AUTOSOMAL RECESSIVE 10. Identifiers: Orphanet 140922, MedGen C1837342, MONDO:0012127, OMIM 608807.
Myopathy, myofibrillar, 9, with early respiratory failure (MFM9). Also called: EDSTROM MYOPATHY; MYOPATHY, PROXIMAL, WITH EARLY RESPIRATORY MUSCLE INVOLVEMENT; Hereditary myopathy with early respiratory failure; Myopathy, distal, with early respiratory failure, autosomal dominant. Identifiers: Orphanet 178464, Orphanet 34521, MedGen C1863599, MONDO:0011362, OMIM 603689.
Tibial muscular dystrophy (TMD). Also called: Udd Distal Myopathy – Tibial Muscular Dystrophy; Tibial muscular dystrophy, tardive; UDD MYOPATHY. Identifiers: Orphanet 609, MedGen C1838244, MONDO:0010870, OMIM 600334.
Early-onset myopathy with fatal cardiomyopathy (CMYO5). Also called: CONGENITAL MYOPATHY 5 WITH CARDIOMYOPATHY; Salih Myopathy. Identifiers: Orphanet 289377, MedGen C2673677, MONDO:0012714, OMIM 611705. Disease mechanism: loss of function.
Hypertrophic cardiomyopathy 9. Also called: Familial hypertrophic cardiomyopathy 9. Identifiers: MedGen C1861065, MONDO:0013412, OMIM 613765.

Allele frequency attached by ClinVar (database versions not stated): TOPMed 0.00012; gnomAD 0.00013 and 0.00014; gnomAD exomes 0.00014 and 0.00032; ExAC 0.00018.
gnomAD v4.1: 504 of 1,612,798 alleles (0.031%); highest among the groups gnomAD compares: Non-Finnish European, 0.037%; no homozygotes.

Submissions (11):

Molecular Diagnostic Laboratory for Inherited Cardiovascular Disease, Montreal Heart Institute
Classification: Likely benign. Last evaluated: 2026-09-21. Review status: criteria provided, single submitter. Criteria: ACMG Guidelines, 2015. Collection method: clinical testing. Allele origin: germline. Affected: no.
Comment: BP1

PreventionGenetics, part of Exact Sciences
Classification: Likely benign for TTN-related condition. Last evaluated: 2025-09-29. Review status: criteria provided, single submitter. Criteria: ACMG Guidelines, 2015. Collection method: clinical testing. Allele origin: germline.
Comment: This variant is classified as likely benign based on ACMG/AMP sequence variant interpretation guidelines (Richards et al. 2015 PMID: 25741868, with internal and published modifications).

Blueprint Genetics
Classification: Likely benign. Last evaluated: 2024-10-16. Review status: criteria provided, single submitter. Criteria: ACMG Guidelines, 2015. Collection method: clinical testing. Allele origin: germline.

Women's Health and Genetics/Laboratory Corporation of America, LabCorp
Classification: Uncertain significance. Last evaluated: 2023-05-08. Review status: criteria provided, single submitter. Criteria: LabCorp Variant Classification Summary - May 2015. Collection method: clinical testing. Allele origin: germline.
Comment: Variant summary: TTN c.9707C>T (p.Pro3236Leu) results in a non-conservative amino acid change located in the I-band region of the encoded protein sequence. Three of five in-silico tools predict a damaging effect of the variant on protein function. The variant allele was found at a frequency of 0.00014 in 249166 control chromosomes. This frequency is not significantly higher than estimated for a pathogenic variant in TTN causing Dilated Cardiomyopathy (0.00014 vs 0.00039), allowing no conclusion about variant significance. To our knowledge, there are no reports of c.9707C>T in individuals affected with Dilated Cardiomyopathy and no experimental evidence demonstrating an impact on protein function published in the literature. Six clinical diagnostic laboratories have submitted clinical-significance assessments for this variant to ClinVar after 2014 without evidence for independent evaluation. Based on the evidence outlined above, the variant was classified as uncertain significance.

CeGaT Center for Human Genetics Tuebingen
Classification: Uncertain significance. Last evaluated: 2022-11-01. Review status: criteria provided, single submitter. Criteria: CeGaT Center For Human Genetics Tuebingen Variant Classification Criteria Version 2. Collection method: clinical testing. Allele origin: germline. Affected: yes. Observed: 2 variant alleles.

Fulgent Genetics
Classification: Uncertain significance for Tibial muscular dystrophy; Myopathy, myofibrillar, 9, with early respiratory failure; Dilated cardiomyopathy 1G; Autosomal recessive limb-girdle muscular dystrophy type 2J; Early-onset myopathy with fatal cardiomyopathy; Hypertrophic cardiomyopathy 9. Last evaluated: 2021-08-27. Review status: criteria provided, single submitter. Criteria: ACMG Guidelines, 2015. Collection method: clinical testing. Allele origin: unknown.

Ambry Genetics
Classification: Likely benign for Cardiovascular phenotype. Last evaluated: 2020-06-15. Review status: criteria provided, single submitter. Criteria: Ambry Variant Classification Scheme 2023. Collection method: clinical testing. Allele origin: germline.

Labcorp Genetics (formerly Invitae), Labcorp
Classification: Uncertain significance for Dilated cardiomyopathy 1G; Autosomal recessive limb-girdle muscular dystrophy type 2J. Last evaluated: 2017-11-30. Review status: criteria provided, single submitter. Criteria: Invitae Variant Classification Sherloc (09022015). Collection method: clinical testing. Allele origin: germline.

Eurofins Ntd Llc (ga)
Classification: Uncertain significance. Last evaluated: 2017-02-08. Review status: criteria provided, single submitter. Criteria: EGL Classification Definitions 2015. Collection method: clinical testing. Allele origin: germline. Observed: 1 variant allele, 1 heterozygote.

GeneDx
Classification: Uncertain significance. Last evaluated: 2015-12-01. Review status: criteria provided, single submitter. Criteria: GeneDx Variant Classification (06012015). Collection method: clinical testing. Allele origin: germline. Affected: yes.
Comment: Missense variants in the TTN gene are considered 'unclassified' if they are not previously reported in the literature and do not have >1% frequency in the population to be considered a polymorphism. Research indicates that truncating mutations in the TTN gene are expected to account for approximately 25% of familial and 18% of sporadic idiopathic DCM; however, truncating variants in the TTN gene have been reported in approximately 3% of reported control alleles. There has been little investigation into non-truncating variants. (Herman D et al. Truncations of titin causing dilated cardiomyopathy. N Eng J Med 366:619-628, 2012) The variant is found in DCM panel(s).

Biesecker Lab/Clinical Genomics Section, National Institutes of Health
Classification: Uncertain significance. Last evaluated: 2013-06-24. Review status: criteria provided, single submitter. Criteria: Ng et al. (Circ Cardiovasc Genet. 2013). Collection method: research. Allele origin: unknown. Observed: 1 variant allele. Study: ClinSeq.
Comment: The study set was not selected for affection status in relation to any cancer. Pathogenicity categories were based on literature curation. See Pubmed ID:23861362 for details.

Medical sequencing

Literature cited by the submitters: PubMed 27302369 (cited by Women's Health and Genetics/Laboratory Corporation of America, LabCorp); PubMed 23861362 (cited by Ambry Genetics).

NM_001267550.2(TTN):c.9707C>T (p.Pro3236Leu)

Gene: TTN (titin; minus strand). Cytogenetic location: 2q31.2.
Variant type: single nucleotide variant.
Coding change: c.9707C>T on transcript NM_001267550.2 (MANE Select); coding-DNA position 9707, C replaced by T.
Protein change: p.Pro3236Leu; replaces proline 3236 with leucine.
Molecular consequence: missense variant.
Genome position (GRCh38, 1-based): chr2:178,764,808, G>A on the plus strand (C>T on the coding strand, the complement: TTN is on the minus strand). VCF-style: chr2-178764808-G-A. GRCh37 (hg19) VCF-style: chr2-179629535-G-A.
Other names: p.P3236L:CCT>CTT; c.9707C>T, p.Pro3236Leu (NM_001256850.1, NM_133378.4, NM_133379.5); c.9569C>T, p.Pro3190Leu (NM_003319.4, NM_133432.3, NM_133437.4); short protein forms P3236L, P3190L.
Identifiers: ClinVar variation 192064 (VCV000192064.47), dbSNP rs146199720, ClinGen allele CA302537.